The following is an entry in ClinVar:

ClinVar aggregate classification (germline): Uncertain significance (1 of 4 stars; one submission).

Allele frequency attached by ClinVar (database versions not stated): gnomAD exomes 0.00001; ExAC 0.00003.
gnomAD v4.1: 3 of 1,583,532 alleles (0.00019%); highest among the groups gnomAD compares: Non-Finnish European, 0.00026%; no homozygotes.

Submission:

Labcorp Genetics (formerly Invitae), Labcorp
Classification: Uncertain significance. Last evaluated: 2022-05-31. Review status: criteria provided, single submitter. Criteria: Invitae Variant Classification Sherloc (09022015). Collection method: clinical testing. Allele origin: germline.
Comment: This sequence change replaces glutamic acid, which is acidic and polar, with lysine, which is basic and polar, at codon 386 of the MNX1 protein (p.Glu386Lys). The frequency data for this variant in the population databases is considered unreliable, as metrics indicate poor data quality at this position in the gnomAD database. This variant has not been reported in the literature in individuals affected with MNX1-related conditions. Algorithms developed to predict the effect of missense changes on protein structure and function are either unavailable or do not agree on the potential impact of this missense change (SIFT: "Deleterious"; PolyPhen-2: "Not Available"; Align-GVGD: "Class C0"). In summary, the available evidence is currently insufficient to determine the role of this variant in disease. Therefore, it has been classified as a Variant of Uncertain Significance.

NM_005515.4(MNX1):c.1156G>A (p.Glu386Lys)

Gene: MNX1 (motor neuron and pancreas homeobox 1; minus strand). Cytogenetic location: 7q36.3.
Variant type: single nucleotide variant.
Coding change: c.1156G>A on transcript NM_005515.4 (MANE Select); coding-DNA position 1156, G replaced by A.
Protein change: p.Glu386Lys; replaces glutamic acid 386 with lysine.
Molecular consequence: missense variant.
Genome position (GRCh38, 1-based): chr7:157,005,570, C>T on the plus strand (G>A on the coding strand, the complement: MNX1 is on the minus strand). VCF-style: chr7-157005570-C-T. GRCh37 (hg19) VCF-style: chr7-156798264-C-T.
Other names: c.520G>A, p.Glu174Lys (NM_001165255.2); short protein forms E386K, E174K.
Identifiers: ClinVar variation 2133089 (VCV002133089.4), dbSNP rs754829375, ClinGen allele CA4589100.